The following is an entry in ClinVar:

NM_006231.4(POLE):c.6775C>G (p.Arg2259Gly)

Gene: POLE (DNA polymerase epsilon, catalytic subunit; minus strand). Cytogenetic location: 12q24.33.
Variant type: single nucleotide variant.
Coding change: c.6775C>G on transcript NM_006231.4 (MANE Select); coding-DNA position 6775, C replaced by G.
Protein change: p.Arg2259Gly; replaces arginine 2259 with glycine.
Molecular consequence: missense variant.
Genome position (GRCh38, 1-based): chr12:132,624,783, G>C on the plus strand (C>G on the coding strand, the complement: POLE is on the minus strand). VCF-style: chr12-132624783-G-C. GRCh37 (hg19) VCF-style: chr12-133201369-G-C.
Other names: c.6775C>G (NM_006231.2); short protein forms R2259G.
Identifiers: ClinVar variation 1004344 (VCV001004344.8), dbSNP rs866548835, ClinGen allele CA387365835.

ClinVar aggregate classification (germline): Uncertain significance. Review status: criteria provided, multiple submitters, no conflicts (2 of 4 stars). 3 submissions from 3 submitters: Uncertain significance (3). Last evaluated 2026-05-19.

Conditions:
Hereditary cancer-predisposing syndrome. Also called: Hereditary neoplastic syndrome; Neoplastic Syndromes, Hereditary; Tumor predisposition; Hereditary Cancer Syndrome. Identifiers: Orphanet 140162, MedGen C0027672, MeSH D009386, MONDO:0015356.

gnomAD v4.1: 1 of 1,613,118 alleles (0.000062%); highest among the groups gnomAD compares: Non-Finnish European, 0.000085%; no homozygotes.

Submissions (3):

Ambry Genetics
Classification: Uncertain significance for Hereditary cancer-predisposing syndrome. Last evaluated: 2026-05-19. Review status: criteria provided, single submitter. Criteria: Ambry Variant Classification Scheme 2023. Collection method: clinical testing. Allele origin: germline.
Comment: The p.R2259G variant (also known as c.6775C>G), located in coding exon 49 of the POLE gene, results from a C to G substitution at nucleotide position 6775. The arginine at codon 2259 is replaced by glycine, an amino acid with dissimilar properties. This amino acid position is not well conserved in available vertebrate species. In addition, this alteration is predicted to be tolerated by in silico analysis. Based on the available evidence, the clinical significance of this variant remains unclear.

GeneDx
Classification: Uncertain significance. Last evaluated: 2024-10-14. Review status: criteria provided, single submitter. Criteria: GeneDx Variant Classification Process June 2021. Collection method: clinical testing. Allele origin: germline. Affected: yes.
Comment: Not observed at significant frequency in large population cohorts (gnomAD); In silico analysis supports that this missense variant has a deleterious effect on protein structure/function; Has not been previously published as pathogenic or benign to our knowledge

Labcorp Genetics (formerly Invitae), Labcorp
Classification: Uncertain significance. Last evaluated: 2022-11-01. Review status: criteria provided, single submitter. Criteria: Invitae Variant Classification Sherloc (09022015). Collection method: clinical testing. Allele origin: germline.
Comment: This sequence change replaces arginine, which is basic and polar, with glycine, which is neutral and non-polar, at codon 2259 of the POLE protein (p.Arg2259Gly). This variant is present in population databases (no rsID available, gnomAD 0.0009%). This variant has not been reported in the literature in individuals affected with POLE-related conditions. ClinVar contains an entry for this variant (Variation ID: 1004344). Advanced modeling of protein sequence and biophysical properties (such as structural, functional, and spatial information, amino acid conservation, physicochemical variation, residue mobility, and thermodynamic stability) performed at Invitae indicates that this missense variant is not expected to disrupt POLE protein function. In summary, the available evidence is currently insufficient to determine the role of this variant in disease. Therefore, it has been classified as a Variant of Uncertain Significance.